The following is an entry in ClinVar:

NM_000384.3(APOB):c.444T>C (p.Asp148=)

Gene: APOB (apolipoprotein B; minus strand). Cytogenetic location: 2p24.1.
Variant type: single nucleotide variant.
Coding change: c.444T>C on transcript NM_000384.3 (MANE Select); coding-DNA position 444, T replaced by C.
Protein change: p.Asp148=; no amino-acid change (aspartic acid 148 retained).
Molecular consequence: synonymous variant.
Genome position (GRCh38, 1-based): chr2:21,038,051, A>G on the plus strand (T>C on the coding strand, the complement: APOB is on the minus strand). VCF-style: chr2-21038051-A-G. GRCh37 (hg19) VCF-style: chr2-21260923-A-G.
Identifiers: ClinVar variation 1740696 (VCV001740696.8), dbSNP rs753886477, ClinGen allele CA061013.
Genomic context (GRCh38, chr2:21,038,051, plus strand): 5'-TGGGGGAACCAGGAGGGCAGAAATGATGCCCCTCTTGATGTTCAGGATGTAAGTAGGTTC[A>G]TCTTTCTCCGGGTAAAGGAAAACCTGCTTCCCTTCTGGAATGGCCAGCTTGAGCTCATAC-3'
Protein context (NP_000375.3, residues 138-158): GKQVFLYPEK[Asp148=]EPTYILNIKR

ClinVar aggregate classification (germline): Likely benign. Review status: criteria provided, multiple submitters, no conflicts (2 of 4 stars). 4 submissions from 4 submitters: Likely benign (3). 1 of the submissions does not count toward it. Last evaluated 2025-01-09.

Conditions:
Familial hypobetalipoproteinemia 1. Also called: APOB-Related Familial Hypobetalipoproteinemia; Hypobetalipoproteinemia, normotriglyceridemic; Acanthocytosis with hypobetalipoproteinemia. Identifiers: MedGen C4551990, MONDO:0014252, OMIM 615558.
Hypercholesterolemia, autosomal dominant, type B (FHCL2). Also called: Hyperlipoproteinemia Type IIb; Familial hypercholesterolemia 2; Familial Hypercholesterolemia Type B; APOLIPOPROTEIN B-100, FAMILIAL DEFECTIVE; APOLIPOPROTEIN B-100, FAMILIAL LIGAND-DEFECTIVE; HYPERCHOLESTEROLEMIA, FAMILIAL, DUE TO LIGAND-DEFECTIVE APOLIPOPROTEIN B. Identifiers: MedGen C1704417, MONDO:0007751, OMIM 144010.
APOB-related disorder. Also called: APOB-related condition; APOB-related disorders.
Familial hypercholesterolemia. Also called: Familial hypercholesterolemias; Familial hypercholesterolaemia. Identifiers: MedGen C0020445, MONDO:0005439.
Cardiovascular phenotype. Identifiers: MedGen CN230736.

Allele frequency attached by ClinVar (database versions not stated): ExAC 0.00001; gnomAD exomes 0.00001; TOPMed 0.00005.
gnomAD v4.1: 5 of 1,614,098 alleles (0.00031%); highest among the groups gnomAD compares: East Asian, 0.0067%; no homozygotes.

Submissions (4):

GENinCode PLC
Classification: Likely benign for Familial hypercholesterolemia. Last evaluated: 2025-01-09. Review status: criteria provided, single submitter. Criteria: ACMG Guidelines, 2015. Collection method: clinical testing. Allele origin: germline.
Comment: This is a synonymous (silent) variant that is not predicted to impact splicing and occurs at a nucleotide which is not highly conserved. This variant has been classified as Likely Benign (BP4, BP7).

Labcorp Genetics (formerly Invitae), Labcorp
Classification: Likely benign for Familial hypobetalipoproteinemia 1; Hypercholesterolemia, autosomal dominant, type B. Last evaluated: 2024-10-23. Review status: criteria provided, single submitter. Criteria: Invitae Variant Classification Sherloc (09022015). Collection method: clinical testing. Allele origin: germline.

Ambry Genetics
Classification: Likely benign for Cardiovascular phenotype. Last evaluated: 2021-08-22. Review status: criteria provided, single submitter. Criteria: Ambry Variant Classification Scheme 2023. Collection method: clinical testing. Allele origin: germline.

PreventionGenetics, part of Exact Sciences
Classification: Likely benign for APOB-related condition. Last evaluated: 2021-06-09. Review status: no assertion criteria provided. Collection method: clinical testing. Allele origin: germline. Not counted in ClinVar's aggregate classification.
Comment: This variant is classified as likely benign based on ACMG/AMP sequence variant interpretation guidelines (Richards et al. 2015 PMID: 25741868, with internal and published modifications).